The following is an entry in ClinVar:

ClinVar aggregate classification (germline): Benign/Likely benign. Review status: criteria provided, multiple submitters, no conflicts (2 of 4 stars). 12 submissions from 12 submitters: Benign (5); Likely benign (2). 5 of the submissions do not count toward it. Last evaluated 2026-09-21.

Conditions:
Cardiovascular phenotype. Identifiers: MedGen CN230736.
Catecholaminergic polymorphic ventricular tachycardia 1. Also called: VENTRICULAR TACHYCARDIA, CATECHOLAMINERGIC POLYMORPHIC, 1, WITH OR WITHOUT ATRIAL DYSFUNCTION AND/OR DILATED CARDIOMYOPATHY; VENTRICULAR TACHYCARDIA, STRESS-INDUCED POLYMORPHIC 1; RYR2-Related Catecholaminergic Polymorphic Ventricular Tachycardia. Identifiers: Orphanet 3286, MedGen C1631597, MONDO:0011484, OMIM 604772.
Cardiomyopathy (CMYO). Also called: Cardiomyopathies. Identifiers: Orphanet 167848, MedGen C0878544, MONDO:0004994, HP:0001638. Inheritance: Various modes of inheritance.

Submissions (12):

Molecular Diagnostic Laboratory for Inherited Cardiovascular Disease, Montreal Heart Institute
Classification: Benign. Last evaluated: 2026-09-21. Review status: criteria provided, single submitter. Criteria: ACMG Guidelines, 2015. Collection method: clinical testing. Allele origin: germline. Affected: no.
Comment: BA1

Labcorp Genetics (formerly Invitae), Labcorp
Classification: Benign for Catecholaminergic polymorphic ventricular tachycardia 1. Last evaluated: 2026-02-04. Review status: criteria provided, single submitter. Criteria: Invitae Variant Classification Sherloc (09022015). Collection method: clinical testing. Allele origin: germline.

Blueprint Genetics
Classification: Benign. Last evaluated: 2024-11-26. Review status: criteria provided, single submitter. Criteria: ACMG Guidelines, 2015. Collection method: clinical testing. Allele origin: germline.

Ambry Genetics
Classification: Likely benign for Cardiovascular phenotype. Last evaluated: 2015-12-20. Review status: criteria provided, single submitter. Criteria: Ambry Variant Classification Scheme 2023. Collection method: clinical testing. Allele origin: germline.

Eurofins Ntd Llc (ga)
Classification: Benign. Last evaluated: 2014-11-12. Review status: criteria provided, single submitter. Criteria: EGL Classification Definitions 2015. Collection method: clinical testing. Allele origin: germline. Observed: 7 variant alleles, 4 heterozygotes, 3 homozygotes.

GeneDx
Classification: Benign. Last evaluated: 2012-07-12. Review status: criteria provided, single submitter. Criteria: GeneDx Variant Classification (06012015). Collection method: clinical testing. Allele origin: germline. Affected: yes.
Comment: The variant is found in ARVC, POSTMORTEM, CPVT panel(s).

Laboratory for Molecular Medicine, Mass General Brigham Personalized Medicine
Classification: Likely benign. Last evaluated: 2011-09-27. Review status: criteria provided, single submitter. Criteria: LMM Criteria. Collection method: clinical testing. Allele origin: germline. Observed: 9 variant alleles.

Women's Health and Genetics/Laboratory Corporation of America, LabCorp
Classification: Benign for Cardiomyopathy. Last evaluated: 2014-03-04. Review status: no assertion criteria provided. Collection method: clinical testing. Allele origin: germline. Not counted in ClinVar's aggregate classification.

Clinical Genetics, Academic Medical Center
Classification: Benign. Review status: no assertion criteria provided. Collection method: clinical testing. Allele origin: germline. Affected: yes. Study: VKGL Data-share Consensus. Not counted in ClinVar's aggregate classification.

Diagnostic Laboratory, Department of Genetics, University Medical Center Groningen
Classification: Benign. Review status: no assertion criteria provided. Collection method: clinical testing. Allele origin: germline. Affected: yes. Study: VKGL Data-share Consensus. Not counted in ClinVar's aggregate classification.

Genome Diagnostics Laboratory, University Medical Center Utrecht
Classification: Benign. Review status: no assertion criteria provided. Collection method: clinical testing. Allele origin: germline. Affected: yes. Study: VKGL Data-share Consensus. Not counted in ClinVar's aggregate classification.

Joint Genome Diagnostic Labs from Nijmegen and Maastricht, Radboudumc and MUMC+
Classification: Benign. Review status: no assertion criteria provided. Collection method: clinical testing. Allele origin: germline. Affected: yes. Study: VKGL Data-share Consensus. Not counted in ClinVar's aggregate classification.

NM_001035.3(RYR2):c.3599-9del

Gene: RYR2 (ryanodine receptor 2; plus strand). Cytogenetic location: 1q43.
Variant type: Deletion.
Coding change: c.3599-9del on transcript NM_001035.3 (MANE Select); 9 bases into the intron before coding-DNA position 3599, one base deleted (T; older notation c.3599-9delT).
Molecular consequence: intron variant.
Genome position (GRCh38, 1-based): chr1:237,589,784, T deleted; the last of 10 consecutive T bases (chr1:237,589,775-237,589,784); deleting any one gives the same sequence. VCF-style (leftmost placement, unchanged base first): chr1-237589774-AT-A. GRCh37 (hg19) VCF-style: chr1-237753074-AT-A.
Other names: c.3599-9delT (NM_001035.2); c.3599-9del (LRG_402t1, NM_001035.2).
Identifiers: ClinVar variation 36741 (VCV000036741.31), dbSNP rs11331089, ClinGen allele CA009286.